The following is an entry in ClinVar:

ClinVar aggregate classification (germline): Conflicting classifications of pathogenicity. Review status: criteria provided, conflicting classifications (1 of 4 stars). 3 submissions from 3 submitters: Uncertain significance (1); Likely benign (1). 1 of the submissions does not count toward it. Last evaluated 2025-07-02.

Conditions:
SETBP1-related disorder. Also called: SETBP1-related condition; SETBP1-related disorders.

Allele frequency attached by ClinVar (database versions not stated): gnomAD exomes 0.00001.
gnomAD v4.1: 12 of 1,613,738 alleles (0.00074%); highest among the groups gnomAD compares: East Asian, 0.0022%; no homozygotes.

Submissions (3):

Labcorp Genetics (formerly Invitae), Labcorp
Classification: Likely benign. Last evaluated: 2025-07-02. Review status: criteria provided, single submitter. Criteria: Invitae Variant Classification Sherloc (09022015). Collection method: clinical testing. Allele origin: germline.

GeneDx
Classification: Uncertain significance. Last evaluated: 2022-03-23. Review status: criteria provided, single submitter. Criteria: GeneDx Variant Classification Process June 2021. Collection method: clinical testing. Allele origin: germline. Affected: yes.
Comment: In silico analysis supports that this missense variant has a deleterious effect on protein structure/function; Has not been previously published as pathogenic or benign to our knowledge

PreventionGenetics, part of Exact Sciences
Classification: Uncertain significance for SETBP1-related condition. Last evaluated: 2024-02-20. Review status: no assertion criteria provided. Collection method: clinical testing. Allele origin: germline. Not counted in ClinVar's aggregate classification.
Comment: The SETBP1 c.1910C>T variant is predicted to result in the amino acid substitution p.Pro637Leu. To our knowledge, this variant has not been reported in the literature. This variant is reported in 0.0055% of alleles in individuals of East Asian descent in gnomAD. At this time, the clinical significance of this variant is uncertain due to the absence of conclusive functional and genetic evidence.

NM_015559.3(SETBP1):c.1910C>T (p.Pro637Leu)

Gene: SETBP1 (SET binding protein 1; plus strand). Cytogenetic location: 18q12.3.
Variant type: single nucleotide variant.
Coding change: c.1910C>T on transcript NM_015559.3 (MANE Select); coding-DNA position 1910, C replaced by T.
Protein change: p.Pro637Leu; replaces proline 637 with leucine.
Molecular consequence: missense variant.
Genome position (GRCh38, 1-based): chr18:44,951,250, C>T. VCF-style: chr18-44951250-C-T. GRCh37 (hg19) VCF-style: chr18-42531215-C-T.
Other names: c.1910C>T, p.Pro637Leu (NM_001379141.1, NM_001379142.1); short protein forms P637L.
Identifiers: ClinVar variation 1476069 (VCV001476069.13), dbSNP rs1011541536, ClinGen allele CA402319885.